The following is an entry in ClinVar:

ClinVar aggregate classification (germline): Uncertain significance. Review status: criteria provided, multiple submitters, no conflicts (2 of 4 stars). 3 submissions from 3 submitters: Uncertain significance (2). 1 of the submissions does not count toward it. Last evaluated 2025-02-16.

Conditions:
Hereditary cancer-predisposing syndrome. Also called: Hereditary Cancer Syndrome; Hereditary neoplastic syndrome; Tumor predisposition; Neoplastic Syndromes, Hereditary. Identifiers: Orphanet 140162, MedGen C0027672, MeSH D009386, MONDO:0015356.
Bloom syndrome (BLM). Also called: Bloom-Torre-Machacek syndrome. Identifiers: Orphanet 125, MedGen C0005859, MONDO:0008876, OMIM 210900.

gnomAD v4.1: 9 of 1,612,040 alleles (0.00056%); highest among the groups gnomAD compares: Non-Finnish European, 0.00076%; no homozygotes.

Submissions (3):

Ambry Genetics
Classification: Uncertain significance for Hereditary cancer-predisposing syndrome. Last evaluated: 2025-02-16. Review status: criteria provided, single submitter. Criteria: Ambry Variant Classification Scheme 2023. Collection method: clinical testing. Allele origin: germline.
Comment: The p.G1096A variant (also known as c.3287G>C), located in coding exon 16 of the BLM gene, results from a G to C substitution at nucleotide position 3287. The glycine at codon 1096 is replaced by alanine, an amino acid with similar properties. This amino acid position is conserved. In addition, this alteration is predicted to be tolerated by in silico analysis. Based on the available evidence, the clinical significance of this variant remains unclear.

Labcorp Genetics (formerly Invitae), Labcorp
Classification: Uncertain significance for Bloom syndrome. Last evaluated: 2024-10-09. Review status: criteria provided, single submitter. Criteria: Invitae Variant Classification Sherloc (09022015). Collection method: clinical testing. Allele origin: germline.
Comment: This sequence change replaces glycine, which is neutral and non-polar, with alanine, which is neutral and non-polar, at codon 1096 of the BLM protein (p.Gly1096Ala). This variant is not present in population databases (gnomAD no frequency). This variant has not been reported in the literature in individuals affected with BLM-related conditions. ClinVar contains an entry for this variant (Variation ID: 841995). Invitae Evidence Modeling of protein sequence and biophysical properties (such as structural, functional, and spatial information, amino acid conservation, physicochemical variation, residue mobility, and thermodynamic stability) has been performed for this missense variant. However, the output from this modeling did not meet the statistical confidence thresholds required to predict the impact of this variant on BLM protein function. In summary, the available evidence is currently insufficient to determine the role of this variant in disease. Therefore, it has been classified as a Variant of Uncertain Significance.

Natera, Inc.
Classification: Uncertain significance for Bloom syndrome. Last evaluated: 2021-07-12. Review status: no assertion criteria provided. Collection method: clinical testing. Allele origin: germline. Not counted in ClinVar's aggregate classification.

NM_000057.4(BLM):c.3287G>C (p.Gly1096Ala)

Gene: BLM (BLM RecQ like helicase; plus strand). Cytogenetic location: 15q26.1.
Variant type: single nucleotide variant.
Coding change: c.3287G>C on transcript NM_000057.4 (MANE Select); coding-DNA position 3287, G replaced by C.
Protein change: p.Gly1096Ala; replaces glycine 1096 with alanine.
Molecular consequence: missense variant.
Genome position (GRCh38, 1-based): chr15:90,798,266, G>C. VCF-style: chr15-90798266-G-C. GRCh37 (hg19) VCF-style: chr15-91341496-G-C.
Other names: c.3287G>C (NM_000057.2); c.3287G>C, p.Gly1096Ala (NM_001287246.2, NM_001287247.2); c.2162G>C, p.Gly721Ala (NM_001287248.2); short protein forms G1096A, G721A.
Identifiers: ClinVar variation 841995 (VCV000841995.9), dbSNP rs893352310, ClinGen allele CA393847262.